The following is an entry in ClinVar:

ClinVar aggregate classification (germline): Uncertain significance (1 of 4 stars; one submission).

Conditions:
Hereditary spastic paraplegia 28. Also called: Spastic paraplegia 28, autosomal recessive. Identifiers: Orphanet 101008, MedGen C1836295, MONDO:0012256, OMIM 609340.

Allele frequency attached by ClinVar (database versions not stated): gnomAD 0.00001; ExAC 0.00002; TOPMed 0.00002.
gnomAD v4.1: 6 of 1,613,554 alleles (0.00037%); highest among the groups gnomAD compares: Admixed American, 0.0083%; no homozygotes.

Submission:

Labcorp Genetics (formerly Invitae), Labcorp
Classification: Uncertain significance for Hereditary spastic paraplegia 28. Last evaluated: 2024-10-24. Review status: criteria provided, single submitter. Criteria: Invitae Variant Classification Sherloc (09022015). Collection method: clinical testing. Allele origin: germline.
Comment: This sequence change replaces alanine, which is neutral and non-polar, with aspartic acid, which is acidic and polar, at codon 222 of the DDHD1 protein (p.Ala222Asp). This variant is present in population databases (rs760225486, gnomAD 0.009%). This variant has not been reported in the literature in individuals affected with DDHD1-related conditions. ClinVar contains an entry for this variant (Variation ID: 1986626). An algorithm developed to predict the effect of missense changes on protein structure and function (PolyPhen-2) suggests that this variant is likely to be tolerated. In summary, the available evidence is currently insufficient to determine the role of this variant in disease. Therefore, it has been classified as a Variant of Uncertain Significance.

NM_001160148.2(DDHD1):c.665C>A (p.Ala222Asp)

Gene: DDHD1 (DDHD domain containing 1; minus strand). Cytogenetic location: 14q22.1.
Variant type: single nucleotide variant.
Coding change: c.665C>A on transcript NM_001160148.2 (MANE Select); coding-DNA position 665, C replaced by A.
Protein change: p.Ala222Asp; replaces alanine 222 with aspartic acid.
Molecular consequence: missense variant.
Genome position (GRCh38, 1-based): chr14:53,152,434, G>T on the plus strand (C>A on the coding strand, the complement: DDHD1 is on the minus strand). VCF-style: chr14-53152434-G-T. GRCh37 (hg19) VCF-style: chr14-53619152-G-T.
Other names: c.665C>A, p.Ala222Asp (NM_001160147.2, NM_030637.3); short protein forms A222D.
Identifiers: ClinVar variation 1986626 (VCV001986626.4), dbSNP rs760225486, ClinGen allele CA7191441.
Genomic context (GRCh38, chr14:53,152,434, plus strand): 5'-GTCGTACTCTGGCAGAAGCCGCAGGCGCGGTCCTCATCGTCATCTTCTCCGGAACTGGAG[G>T]CTGGGCCCGTGGGGGAGCACACATGGTCGCCGTCCCGGTCCCCGCCCTGGGGCCGGGCAC-3'
Protein context (NP_001153620.1, residues 212-232): GDHVCSPTGP[Ala222Asp]SSSGEDDDED